The following is an entry in ClinVar:

NM_018127.7(ELAC2):c.1943C>G (p.Ala648Gly)

Gene: ELAC2 (elaC ribonuclease Z 2; minus strand). Cytogenetic location: 17p12.
Variant type: single nucleotide variant.
Coding change: c.1943C>G on transcript NM_018127.7 (MANE Select); coding-DNA position 1943, C replaced by G.
Protein change: p.Ala648Gly; replaces alanine 648 with glycine.
Molecular consequence: missense variant.
Genome position (GRCh38, 1-based): chr17:12,994,850, G>C on the plus strand (C>G on the coding strand, the complement: ELAC2 is on the minus strand). VCF-style: chr17-12994850-G-C. GRCh37 (hg19) VCF-style: chr17-12898167-G-C.
Other names: c.1823C>G, p.Ala608Gly (NM_001165962.2); c.1940C>G, p.Ala647Gly (NM_173717.2); short protein forms A608G, A647G, A648G.
Identifiers: ClinVar variation 3903045 (VCV003903045.1).
Genomic context (GRCh38, chr17:12,994,850, plus strand): 5'-ATGGTGTCCCCGGAATAGACCACTTTCCAGCCAGAGGTGTGCACCAGCGCACAGCCAAAC[G>C]CATGCTTGCAGTGCCGCACCAGACAGGTCTGAAACTGAAAGGGTGGGGCTGGAGGGCTCT-3'
Protein context (NP_060597.4, residues 638-658): QTCLVRHCKH[Ala648Gly]FGCALVHTSG

ClinVar aggregate classification (germline): Uncertain significance (1 of 4 stars; one submission).

Submission:

GeneDx
Classification: Uncertain significance. Last evaluated: 2024-12-13. Review status: criteria provided, single submitter. Criteria: GeneDx Variant Classification Process June 2021. Collection method: clinical testing. Allele origin: germline. Affected: yes.
Comment: Not observed at significant frequency in large population cohorts (gnomAD); In silico analysis supports that this missense variant has a deleterious effect on protein structure/function; Has not been previously published as pathogenic or benign to our knowledge